The following is an entry in ClinVar:

NM_001089.3(ABCA3):c.4261G>A (p.Gly1421Arg)

Gene: ABCA3 (ATP binding cassette subfamily A member 3; minus strand). Cytogenetic location: 16p13.3.
Variant type: single nucleotide variant.
Coding change: c.4261G>A on transcript NM_001089.3 (MANE Select); coding-DNA position 4261, G replaced by A.
Protein change: p.Gly1421Arg; replaces glycine 1421 with arginine.
Molecular consequence: missense variant.
Genome position (GRCh38, 1-based): chr16:2,281,125, C>T on the plus strand (G>A on the coding strand, the complement: ABCA3 is on the minus strand). VCF-style: chr16-2281125-C-T. GRCh37 (hg19) VCF-style: chr16-2331126-C-T.
Other names: short protein forms G1421R.
Identifiers: ClinVar variation 3902230 (VCV003902230.3).

ClinVar aggregate classification (germline): Likely pathogenic. Review status: criteria provided, multiple submitters, no conflicts (2 of 4 stars). 3 submissions from 3 submitters: Likely pathogenic (3). Last evaluated 2025-11-06.

Conditions:
Interstitial lung disease due to ABCA3 deficiency. Also called: PULMONARY ALVEOLAR PROTEINOSIS, CONGENITAL, 3. Identifiers: Orphanet 440402, MedGen C1970456, MONDO:0012582, OMIM 610921.

gnomAD v4.1: 7 of 1,613,820 alleles (0.00043%); highest among the groups gnomAD compares: East Asian, 0.0022%; no homozygotes.

Submissions (3):

Myriad Genetics, Inc.
Classification: Likely pathogenic for Interstitial lung disease due to ABCA3 deficiency. Last evaluated: 2025-11-06. Review status: criteria provided, single submitter. Criteria: Myriad Autosomal Dominant, Autosomal Recessive and X-Linked Classification Criteria (2023). Collection method: clinical testing. Allele origin: unknown.
Comment: NM_001089.2(ABCA3):c.4261G>A(G1421R) is a missense variant classified as likely pathogenic in the context of surfactant deficiency, ABCA3-related. G1421R has been observed in cases with relevant disease (PMID: 36808083, 37780198). Relevant functional assessments of this variant are available in the literature (PMID: 34936540, 29325094). G1421R has been observed in referenced population frequency databases. In summary, NM_001089.2(ABCA3):c.4261G>A(G1421R) is a missense variant that has functional support for pathogenicity and has been observed more frequently in cases with the relevant disease than in healthy populations. Please note: this variant was assessed in the context of healthy population screening.

Women's Health and Genetics/Laboratory Corporation of America, LabCorp
Classification: Likely pathogenic for Interstitial lung disease due to ABCA3 deficiency. Last evaluated: 2025-05-13. Review status: criteria provided, single submitter. Criteria: LabCorp Variant Classification Summary - May 2015. Collection method: clinical testing. Allele origin: germline.
Comment: Variant summary: ABCA3 c.4261G>A (p.Gly1421Arg) results in a non-conservative amino acid change in the encoded protein sequence. Algorithms developed to predict the effect of missense changes on protein structure and function all suggest that this variant is likely to be disruptive. The variant allele was found at a frequency of 1.2e-05 in 251346 control chromosomes. c.4261G>A has been observed in individual(s) affected with clinical features of Pulmonary surfactant metabolism dysfunction (Griese_2015, Kroner_2017, Yang_2023, Li_2023, Ognean_2024). These data indicate that the variant may be associated with disease. At least one publication reports experimental evidence evaluating an impact on protein function. The most pronounced variant effect results in impaired transport activity (Kinting_2018, Yang_2023). The following publications have been ascertained in the context of this evaluation (PMID: 25692779, 26375475, 29325094, 27516224, 36808083, 39457702, 37108718). No submitters have cited clinical-significance assessments for this variant to ClinVar. Based on the evidence outlined above, the variant was classified as likely pathogenic.

Genomics, Clalit Research Institute, Clalit Health Care
Classification: Likely pathogenic for Interstitial lung disease due to ABCA3 deficiency. Last evaluated: 2025-05-11. Review status: criteria provided, single submitter. Criteria: ACMG Guidelines, 2015. Collection method: clinical testing. Allele origin: germline. Inheritance: Autosomal recessive inheritance. Affected: yes. Observed: 1 homozygote.
Comment: Inheritance: The variant was identified in the Homozygous state in the sample. Frequency: The variant is rare, observed in 3 alleles out of 251,346 (0.001%) in the gnomAD reference population dataset. Prediction tools: REVEL predicts a deleterious effect on the gene or gene product (score 0.96). Sources: This variant, which has been previously described in the literature by numerous publications (PMID: 29325094, 27516224). Functional studies: In vitro functional studies support a damaging effect on the gene or gene product (PMID:29325094).

Literature cited by the submitters: PubMed 29325094 (cited by 3 submitters); PubMed 34936540 (cited by Myriad Genetics, Inc.); PubMed 36808083 (cited by Myriad Genetics, Inc. and Women's Health and Genetics/Laboratory Corporation of America, LabCorp); PubMed 37780198 (cited by Myriad Genetics, Inc.); PubMed 27516224 (cited by Women's Health and Genetics/Laboratory Corporation of America, LabCorp and Genomics, Clalit Research Institute, Clalit Health Care); PubMed 26375475 (cited by Women's Health and Genetics/Laboratory Corporation of America, LabCorp); PubMed 37108718 (cited by Women's Health and Genetics/Laboratory Corporation of America, LabCorp); PubMed 25692779 (cited by Women's Health and Genetics/Laboratory Corporation of America, LabCorp); PubMed 39457702 (cited by Women's Health and Genetics/Laboratory Corporation of America, LabCorp).